The following is an entry in ClinVar:

ClinVar aggregate classification (germline): Uncertain significance (1 of 4 stars; one submission).

Conditions:
Cohen syndrome (COH1). Also called: PEPPER SYNDROME; Cutis verticis gyrata, retinitis pigmentosa, and sensorineural deafness. Identifiers: Orphanet 193, MedGen C0265223, MONDO:0008999, OMIM 216550.

Allele frequency attached by ClinVar (database versions not stated): gnomAD 0.00001.
gnomAD v4.1: 2 of 1,613,526 alleles (0.00012%); highest among the groups gnomAD compares: Admixed American, 0.0033%; no homozygotes.

Submission:

Labcorp Genetics (formerly Invitae), Labcorp
Classification: Uncertain significance for Cohen syndrome. Last evaluated: 2024-08-20. Review status: criteria provided, single submitter. Criteria: Invitae Variant Classification Sherloc (09022015). Collection method: clinical testing. Allele origin: germline.
Comment: This sequence change replaces glycine, which is neutral and non-polar, with glutamic acid, which is acidic and polar, at codon 1168 of the VPS13B protein (p.Gly1168Glu). This variant is not present in population databases (gnomAD no frequency). This variant has not been reported in the literature in individuals affected with VPS13B-related conditions. ClinVar contains an entry for this variant (Variation ID: 1411975). Invitae Evidence Modeling of protein sequence and biophysical properties (such as structural, functional, and spatial information, amino acid conservation, physicochemical variation, residue mobility, and thermodynamic stability) indicates that this missense variant is not expected to disrupt VPS13B protein function with a negative predictive value of 80%. In summary, the available evidence is currently insufficient to determine the role of this variant in disease. Therefore, it has been classified as a Variant of Uncertain Significance.

NM_152564.5(VPS13B):c.3503G>A (p.Gly1168Glu)

Gene: VPS13B (vacuolar protein sorting 13 homolog B; plus strand). Cytogenetic location: 8q22.2.
Variant type: single nucleotide variant.
Coding change: c.3503G>A on transcript NM_152564.5 (MANE Select); coding-DNA position 3503, G replaced by A.
Protein change: p.Gly1168Glu; replaces glycine 1168 with glutamic acid.
Molecular consequence: missense variant.
Genome position (GRCh38, 1-based): chr8:99,467,471, G>A. VCF-style: chr8-99467471-G-A. GRCh37 (hg19) VCF-style: chr8-100479699-G-A.
Other names: c.3503G>A, p.Gly1168Glu (NM_017890.5); short protein forms G1168E.
Identifiers: ClinVar variation 1411975 (VCV001411975.6), dbSNP rs1819169224, ClinGen allele CA371866025.